The following is an entry in ClinVar:

NM_001457.4(FLNB):c.7423C>T (p.Arg2475Cys)

Genes: FLNB (filamin B; plus strand), FLNB-AS1 (FLNB antisense RNA 1; minus strand). Cytogenetic location: 3p14.3.
Variant type: single nucleotide variant.
Coding change: c.7423C>T on transcript NM_001457.4 (MANE Select); coding-DNA position 7423, C replaced by T.
Protein change: p.Arg2475Cys; replaces arginine 2475 with cysteine.
Molecular consequence: missense variant.
Genome position (GRCh38, 1-based): chr3:58,169,595, C>T. VCF-style: chr3-58169595-C-T. GRCh37 (hg19) VCF-style: chr3-58155322-C-T.
Other names: c.7516C>T, p.Arg2506Cys (NM_001164317.2); c.7390C>T, p.Arg2464Cys (NM_001164318.2); c.7351C>T, p.Arg2451Cys (NM_001164319.2); short protein forms R2451C, R2506C, R2464C, R2475C.
Identifiers: ClinVar variation 2968368 (VCV002968368.3), dbSNP rs548593015, ClinGen allele CA75433384.

ClinVar aggregate classification (germline): Uncertain significance (1 of 4 stars; one submission).

Allele frequency attached by ClinVar (database versions not stated): gnomAD exomes 0.00001.
gnomAD v4.1: 15 of 1,613,100 alleles (0.00093%); highest among the groups gnomAD compares: African/African-American, 0.0013%; no homozygotes.

Submission:

Labcorp Genetics (formerly Invitae), Labcorp
Classification: Uncertain significance. Last evaluated: 2025-07-14. Review status: criteria provided, single submitter. Criteria: Invitae Variant Classification Sherloc (09022015). Collection method: clinical testing. Allele origin: germline.
Comment: This sequence change replaces arginine, which is basic and polar, with cysteine, which is neutral and slightly polar, at codon 2475 of the FLNB protein (p.Arg2475Cys). This variant is present in population databases (no rsID available, gnomAD 0.002%). This variant has not been reported in the literature in individuals affected with FLNB-related conditions. ClinVar contains an entry for this variant (Variation ID: 2968368). Invitae Evidence Modeling of protein sequence and biophysical properties (such as structural, functional, and spatial information, amino acid conservation, physicochemical variation, residue mobility, and thermodynamic stability) indicates that this missense variant is not expected to disrupt FLNB protein function with a negative predictive value of 95%. In summary, the available evidence is currently insufficient to determine the role of this variant in disease. Therefore, it has been classified as a Variant of Uncertain Significance.